The following is an entry in ClinVar:

NM_006642.5(SDCCAG8):c.2108C>T (p.Thr703Ile)

Genes: AKT3 (AKT serine/threonine kinase 3; minus strand), SDCCAG8 (SHH signaling and ciliogenesis regulator SDCCAG8; plus strand). Cytogenetic location: 1q43.
Variant type: single nucleotide variant.
Coding change: c.2108C>T on transcript NM_006642.5 (MANE Select); coding-DNA position 2108, C replaced by T.
Protein change: p.Thr703Ile; replaces threonine 703 with isoleucine.
Molecular consequence: missense variant. On other transcripts: intron variant (1).
Genome position (GRCh38, 1-based): chr1:243,489,136, C>T. VCF-style: chr1-243489136-C-T. GRCh37 (hg19) VCF-style: chr1-243652438-C-T.
Other names: c.1205C>T, p.Thr402Ile (NM_001350246.2, NM_001350247.2, NM_001350251.2); c.2204C>T, p.Thr735Ile (NM_001350248.2); c.1814C>T, p.Thr605Ile (NM_001350249.2); c.*7-686G>A (NM_181690.2); short protein forms T703I, T402I, T735I, T605I.
Identifiers: ClinVar variation 2200129 (VCV002200129.6), dbSNP rs368583241, ClinGen allele CA1483834.

ClinVar aggregate classification (germline): Uncertain significance. Review status: criteria provided, multiple submitters, no conflicts (2 of 4 stars). 2 submissions from 2 submitters: Uncertain significance (2). Last evaluated 2025-02-18.

Conditions:
Senior-Loken syndrome 7 (SLSN7). Identifiers: Orphanet 3156, MedGen C3150877, MONDO:0013326, OMIM 613615.
Bardet-Biedl syndrome 16 (BBS16). Identifiers: Orphanet 110, MedGen C3889474, MONDO:0014444, OMIM 615993.
SDCCAG8-related disorder. Also called: SDCCAG8-Related Disorders; SDCCAG8-related condition.

Allele frequency attached by ClinVar (database versions not stated): ExAC 0.00001; ESP Exome Variant Server 0.00008; gnomAD exomes below 0.00001.
gnomAD v4.1: 6 of 1,612,226 alleles (0.00037%); highest among the groups gnomAD compares: Non-Finnish European, 0.00051%; no homozygotes.

Submissions (2):

PreventionGenetics, part of Exact Sciences
Classification: Uncertain significance for SDCCAG8-related condition. Last evaluated: 2025-02-18. Review status: criteria provided, single submitter. Criteria: ACMG Guidelines, 2015. Collection method: clinical testing. Allele origin: germline.
Comment: The SDCCAG8 c.2108C>T variant is predicted to result in the amino acid substitution p.Thr703Ile. To our knowledge, this variant has not been reported in the literature or in a large population database (gnomad), indicating this variant is rare. At this time, the clinical significance of this variant is uncertain due to the absence of conclusive functional and genetic evidence.

Labcorp Genetics (formerly Invitae), Labcorp
Classification: Uncertain significance for Bardet-Biedl syndrome 16; Senior-Loken syndrome 7. Last evaluated: 2022-03-23. Review status: criteria provided, single submitter. Criteria: Invitae Variant Classification Sherloc (09022015). Collection method: clinical testing. Allele origin: germline.
Comment: In summary, the available evidence is currently insufficient to determine the role of this variant in disease. Therefore, it has been classified as a Variant of Uncertain Significance. Algorithms developed to predict the effect of missense changes on protein structure and function (SIFT, PolyPhen-2, Align-GVGD) all suggest that this variant is likely to be tolerated. This variant has not been reported in the literature in individuals affected with SDCCAG8-related conditions. This variant is present in population databases (rs368583241, gnomAD 0.0009%). This sequence change replaces threonine, which is neutral and polar, with isoleucine, which is neutral and non-polar, at codon 703 of the SDCCAG8 protein (p.Thr703Ile).